The following is an entry in ClinVar:

NM_001123385.2(BCOR):c.223A>T (p.Thr75Ser)

Gene: BCOR (BCL6 corepressor; minus strand). Cytogenetic location: Xp11.4.
Variant type: single nucleotide variant.
Coding change: c.223A>T on transcript NM_001123385.2 (MANE Select); coding-DNA position 223, A replaced by T.
Protein change: p.Thr75Ser; replaces threonine 75 with serine.
Molecular consequence: missense variant.
Genome position (GRCh38, 1-based): chrX:40,075,123, T>A on the plus strand (A>T on the coding strand, the complement: BCOR is on the minus strand). VCF-style: chrX-40075123-T-A. GRCh37 (hg19) VCF-style: chrX-39934376-T-A.
Other names: c.223A>T, p.Thr75Ser (NM_001123383.2, NM_001123384.2, NM_017745.6); short protein forms T75S.
Identifiers: ClinVar variation 581701 (VCV000581701.13), dbSNP rs61744882, ClinGen allele CA10387072.

ClinVar aggregate classification (germline): Likely benign. Review status: criteria provided, multiple submitters, no conflicts (2 of 4 stars). 2 submissions from 2 submitters: Likely benign (2). Last evaluated 2025-11-19.

Conditions:
BCOR-related disorder. Also called: BCOR-related disorders; BCOR-related condition.
Oculofaciocardiodental syndrome (MCOPS2). Identifiers: Orphanet 2712, MedGen C1846265, MONDO:0010261, OMIM 300166.

Allele frequency attached by ClinVar (database versions not stated): 1000 Genomes Project 30x 0.00021; 1000 Genomes Project 0.00026; ESP Exome Variant Server 0.00047; gnomAD 0.00051 and 0.00055; TOPMed 0.00072; gnomAD exomes 0.00011; ExAC 0.00015.
gnomAD v4.1: 108 of 1,208,035 alleles (0.0089%); highest among the groups gnomAD compares: African/African-American, 0.19%; no homozygotes.

Submissions (2):

PreventionGenetics, part of Exact Sciences
Classification: Likely benign for BCOR-related condition. Last evaluated: 2025-11-19. Review status: criteria provided, single submitter. Criteria: ACMG Guidelines, 2015. Collection method: clinical testing. Allele origin: germline.
Comment: This variant is classified as likely benign based on ACMG/AMP sequence variant interpretation guidelines (Richards et al. 2015 PMID: 25741868, with internal and published modifications).

Labcorp Genetics (formerly Invitae), Labcorp
Classification: Likely benign for Oculofaciocardiodental syndrome. Last evaluated: 2025-08-18. Review status: criteria provided, single submitter. Criteria: Invitae Variant Classification Sherloc (09022015). Collection method: clinical testing. Allele origin: germline.